The following is an entry in ClinVar:

NM_000257.4(MYH7):c.474C>T (p.Ser158=)

Gene: MYH7 (myosin heavy chain 7; minus strand). Cytogenetic location: 14q11.2.
Variant type: single nucleotide variant.
Coding change: c.474C>T on transcript NM_000257.4 (MANE Select); coding-DNA position 474, C replaced by T.
Protein change: p.Ser158=; no amino-acid change (serine 158 retained).
Molecular consequence: synonymous variant.
Genome position (GRCh38, 1-based): chr14:23,432,667, G>A on the plus strand (C>T on the coding strand, the complement: MYH7 is on the minus strand). VCF-style: chr14-23432667-G-A. GRCh37 (hg19) VCF-style: chr14-23901876-G-A.
Identifiers: ClinVar variation 43034 (VCV000043034.25), dbSNP rs200444892, ClinGen allele CA015274.
Genomic context (GRCh38, chr14:23,432,667, plus strand): 5'-CCCTTCAGGAAGACCCTTCCAGGGCCTCTCACCTGTCAGCATGTACTGATAGGCGTTGTC[G>A]GAGATGGAGAAGATGTGGGGCGGGGCCTCGCTCCTCTTCTTGCCCCGGTAGGCAGCCACC-3'
Protein context (NP_000248.2, residues 148-168): SEAPPHIFSI[Ser158=]DNAYQYMLTD

ClinVar aggregate classification (germline): Benign/Likely benign. Review status: criteria provided, multiple submitters, no conflicts (2 of 4 stars). 8 submissions from 8 submitters: Benign (3); Likely benign (5). Last evaluated 2026-03-01.

Conditions:
Cardiovascular phenotype. Identifiers: MedGen CN230736.
Cardiomyopathy (CMYO). Also called: Cardiomyopathies. Identifiers: Orphanet 167848, MedGen C0878544, MONDO:0004994, HP:0001638. Inheritance: Various modes of inheritance.
Hypertrophic cardiomyopathy. Also called: HYPERTROPHIC MYOCARDIOPATHY. Identifiers: Orphanet 217569, MedGen C0007194, MeSH D002312, MONDO:0005045, HP:0001639.

Allele frequency attached by ClinVar (database versions not stated): 1000 Genomes Project 0.00060; TOPMed 0.00005; gnomAD 0.00006 and 0.00008; ESP Exome Variant Server 0.00008; 1000 Genomes Project 30x 0.00047.
gnomAD v4.1: 111 of 1,614,112 alleles (0.0069%); highest among the groups gnomAD compares: East Asian, 0.069%; 1 homozygote.

Submissions (8):

CeGaT Center for Human Genetics Tuebingen
Classification: Likely benign. Last evaluated: 2026-03-01. Review status: criteria provided, single submitter. Criteria: CeGaT Center For Human Genetics Tuebingen Variant Classification Criteria Version 2. Collection method: clinical testing. Allele origin: germline. Affected: yes. Observed: 1 variant allele.
Comment: MYH7: BP4, BP7

Labcorp Genetics (formerly Invitae), Labcorp
Classification: Benign for Hypertrophic cardiomyopathy. Last evaluated: 2026-01-21. Review status: criteria provided, single submitter. Criteria: Invitae Variant Classification Sherloc (09022015). Collection method: clinical testing. Allele origin: germline.

Blueprint Genetics
Classification: Likely benign. Last evaluated: 2024-02-29. Review status: criteria provided, single submitter. Criteria: ACMG Guidelines, 2015. Collection method: clinical testing. Allele origin: germline.

All of Us Research Program, National Institutes of Health
Classification: Benign for Cardiomyopathy. Last evaluated: 2023-12-01. Review status: criteria provided, single submitter. Criteria: ACMG Guidelines, 2015. Collection method: clinical testing. Allele origin: germline. Inheritance: Autosomal dominant inheritance. Observed: 15 variant alleles, 15 heterozygotes.
Comment: This study involves interpretation of variants in research participants for the purpose of population health screening. Participant phenotype was not available at the time of variant classification. Additional details can be found in publication PMID: 35346344, PMCID: PMC8962531

Ambry Genetics
Classification: Likely benign for Cardiovascular phenotype. Last evaluated: 2023-05-21. Review status: criteria provided, single submitter. Criteria: Ambry Variant Classification Scheme 2023. Collection method: clinical testing. Allele origin: germline.

Color Diagnostics, LLC DBA Color Health
Classification: Benign for Cardiomyopathy. Last evaluated: 2018-11-08. Review status: criteria provided, single submitter. Criteria: ACMG Guidelines, 2015. Collection method: clinical testing. Allele origin: germline.

GeneDx
Classification: Likely benign. Last evaluated: 2017-04-20. Review status: criteria provided, single submitter. Criteria: GeneDx Variant Classification (06012015). Collection method: clinical testing. Allele origin: germline. Affected: yes.
Comment: This variant is considered likely benign or benign based on one or more of the following criteria: it is a conservative change, it occurs at a poorly conserved position in the protein, it is predicted to be benign by multiple in silico algorithms, and/or has population frequency not consistent with disease.

Laboratory for Molecular Medicine, Mass General Brigham Personalized Medicine
Classification: Likely benign. Last evaluated: 2006-10-28. Review status: criteria provided, single submitter. Criteria: LMM Criteria. Collection method: clinical testing. Allele origin: germline. Observed: 2 variant alleles.
Comment: Ser158Ser in exon 05 of MYH7: This variant is not expected to have clinical sign ificance because it does not alter an amino acid residue and is not located with in the splice consensus sequence. It has been identified in 1/4406 African Ameri can chromosomes from a broad population by the NHLBI Exome Sequencing Project. Ser158Ser in exon 05 of MYH7 (allele freque ncy = 1/4406) **